The following is an entry in ClinVar:

NM_001830.4(CLCN4):c.758G>A (p.Arg253Gln)

Gene: CLCN4 (Cl-/H+ antiporter 4; plus strand). Cytogenetic location: Xp22.2.
Variant type: single nucleotide variant.
Coding change: c.758G>A on transcript NM_001830.4 (MANE Select); coding-DNA position 758, G replaced by A.
Protein change: p.Arg253Gln; replaces arginine 253 with glutamine.
Molecular consequence: missense variant.
Genome position (GRCh38, 1-based): chrX:10,206,560, G>A. VCF-style: chrX-10206560-G-A. GRCh37 (hg19) VCF-style: chrX-10174600-G-A.
Other names: c.476G>A, p.Arg159Gln (NM_001256944.2); short protein forms R159Q, R253Q.
Identifiers: ClinVar variation 2659973 (VCV002659973.24), dbSNP rs1924392577, ClinGen allele CA412037060.

ClinVar aggregate classification (germline): Likely pathogenic (1 of 4 stars; one submission).

Allele frequency attached by ClinVar (database versions not stated): gnomAD exomes below 0.00001.
gnomAD v4.1: 1 of 1,209,626 alleles (0.000083%); highest among the groups gnomAD compares: Non-Finnish European, 0.00011%; no homozygotes.

Submission:

CeGaT Center for Human Genetics Tuebingen
Classification: Likely pathogenic. Last evaluated: 2023-10-01. Review status: criteria provided, single submitter. Criteria: CeGaT Center For Human Genetics Tuebingen Variant Classification Criteria Version 2. Collection method: clinical testing. Allele origin: germline. Affected: yes. Observed: 1 variant allele.
Comment: CLCN4: PM2, PP2, PP3, PP4, PS4:Supporting